The following is an entry in ClinVar:

NM_000245.4(MET):c.1445A>G (p.Asp482Gly)

Gene: MET (MET proto-oncogene, receptor tyrosine kinase; plus strand). Cytogenetic location: 7q31.2.
Variant type: single nucleotide variant.
Coding change: c.1445A>G on transcript NM_000245.4 (MANE Select); coding-DNA position 1445, A replaced by G.
Protein change: p.Asp482Gly; replaces aspartic acid 482 with glycine.
Molecular consequence: missense variant.
Genome position (GRCh38, 1-based): chr7:116,740,002, A>G. VCF-style: chr7-116740002-A-G. GRCh37 (hg19) VCF-style: chr7-116380056-A-G.
Other names: c.1445A>G, p.Asp482Gly (NM_001127500.3, NM_001324401.3); c.155A>G, p.Asp52Gly (NM_001324402.2); short protein forms D482G, D52G.
Identifiers: ClinVar variation 2957122 (VCV002957122.3), dbSNP rs2116826585, ClinGen allele CA368974107.

ClinVar aggregate classification (germline): Uncertain significance (1 of 4 stars; one submission).

Conditions:
Renal cell carcinoma. Identifiers: Orphanet 217071, MedGen C0007134, MeSH D002292, MONDO:0005086, HP:0005584.

Allele frequency attached by ClinVar (database versions not stated): gnomAD exomes below 0.00001.
gnomAD v4.1: 1 of 1,613,886 alleles (0.000062%); highest among the groups gnomAD compares: Non-Finnish European, 0.000085%; no homozygotes.

Submission:

Labcorp Genetics (formerly Invitae), Labcorp
Classification: Uncertain significance for Renal cell carcinoma. Last evaluated: 2023-02-11. Review status: criteria provided, single submitter. Criteria: Invitae Variant Classification Sherloc (09022015). Collection method: clinical testing. Allele origin: germline.
Comment: This sequence change replaces aspartic acid, which is acidic and polar, with glycine, which is neutral and non-polar, at codon 482 of the MET protein (p.Asp482Gly). This variant is not present in population databases (gnomAD no frequency). This variant has not been reported in the literature in individuals affected with MET-related conditions. Advanced modeling of protein sequence and biophysical properties (such as structural, functional, and spatial information, amino acid conservation, physicochemical variation, residue mobility, and thermodynamic stability) performed at Invitae indicates that this missense variant is not expected to disrupt MET protein function. In summary, the available evidence is currently insufficient to determine the role of this variant in disease. Therefore, it has been classified as a Variant of Uncertain Significance.